The following is an entry in ClinVar:

NM_000094.4(COL7A1):c.8305G>C (p.Gly2769Arg)

Gene: COL7A1 (collagen type VII alpha 1 chain; minus strand). Cytogenetic location: 3p21.31.
Variant type: single nucleotide variant.
Coding change: c.8305G>C on transcript NM_000094.4 (MANE Select); coding-DNA position 8305, G replaced by C.
Protein change: p.Gly2769Arg; replaces glycine 2769 with arginine.
Molecular consequence: missense variant.
Genome position (GRCh38, 1-based): chr3:48,566,563, C>G on the plus strand (G>C on the coding strand, the complement: COL7A1 is on the minus strand). VCF-style: chr3-48566563-C-G. GRCh37 (hg19) VCF-style: chr3-48603996-C-G.
Other names: short protein forms G2769R.
Identifiers: ClinVar variation 1027073 (VCV001027073.2), dbSNP rs1266365479, ClinGen allele CA352637103.
Genomic context (GRCh38, chr3:48,566,563, plus strand): 5'-CACTCACCGTCAGTGCAGCTTCTCCCTTCTCGCCTCGAGGACCGGCAGGCCCTGGCCGCC[C>G]CTATGTGCAACAGATGGGACCAGGCTGTGACCTCTGACCTCAGGGACAACAGAAGTCACC-3'
Protein context (NP_000085.1, residues 2759-2779): PGAPGERGEQ[Gly2769Arg]RPGPAGPRGE

ClinVar aggregate classification (germline): Uncertain significance (1 of 4 stars; one submission).

Submission:

Labcorp Genetics (formerly Invitae), Labcorp
Classification: Uncertain significance. Last evaluated: 2021-08-26. Review status: criteria provided, single submitter. Criteria: Invitae Variant Classification Sherloc (09022015). Collection method: clinical testing. Allele origin: germline.
Comment: This sequence change replaces glycine with arginine at codon 2769 of the COL7A1 protein (p.Gly2769Arg). The glycine residue is highly conserved and there is a moderate physicochemical difference between glycine and arginine. This variant is not present in population databases (ExAC no frequency). This variant has not been reported in the literature in individuals affected with COL7A1-related conditions. Algorithms developed to predict the effect of missense changes on protein structure and function are either unavailable or do not agree on the potential impact of this missense change (SIFT: "Deleterious"; PolyPhen-2: "Probably Damaging"; Align-GVGD: "Class C0"). Algorithms developed to predict the effect of sequence changes on RNA splicing suggest that this variant may disrupt the consensus splice site. This variant disrupts the triple helix domain of COL7A1. Glycine residues within the Gly-Xaa-Yaa repeats of the triple helix domain are required for the structure and stability of fibrillar collagens (PMID: 7695699, 8218237, 19344236), and variants at these glycine residues in COL7A1 are more frequently observed in individuals with disease than in the general population (PMID: 22058051). However, the clinical significance of this observation remains uncertain since only a limited number of affected individuals have been described to date. In summary, the available evidence is currently insufficient to determine the role of this variant in disease. Therefore, it has been classified as a Variant of Uncertain Significance.

Literature cited by the submitters: PubMed 7695699; PubMed 8218237; PubMed 19344236; PubMed 22058051.